The following is an entry in ClinVar:

NM_002972.4(SBF1):c.655+3G>A

Gene: SBF1 (SET binding factor 1; minus strand). Cytogenetic location: 22q13.33.
Variant type: single nucleotide variant.
Coding change: c.655+3G>A on transcript NM_002972.4 (MANE Select); 3 bases into the intron after coding-DNA position 655, G replaced by A.
Molecular consequence: intron variant.
Genome position (GRCh38, 1-based): chr22:50,466,602, C>T on the plus strand (G>A on the coding strand, the complement: SBF1 is on the minus strand). VCF-style: chr22-50466602-C-T. GRCh37 (hg19) VCF-style: chr22-50905031-C-T.
Other names: c.658+3G>A (NM_001365819.1).
Identifiers: ClinVar variation 1381055 (VCV001381055.4), dbSNP rs751286537, ClinGen allele CA10318013.

ClinVar aggregate classification (germline): Uncertain significance (1 of 4 stars; one submission).

Allele frequency attached by ClinVar (database versions not stated): gnomAD exomes 0.00001 and 0.00007; ExAC 0.00006; gnomAD 0.00007 and 0.00008; TOPMed 0.00012.

Submission:

Labcorp Genetics (formerly Invitae), Labcorp
Classification: Uncertain significance. Last evaluated: 2023-10-13. Review status: criteria provided, single submitter. Criteria: Invitae Variant Classification Sherloc (09022015). Collection method: clinical testing. Allele origin: germline.
Comment: This sequence change falls in intron 6 of the SBF1 gene. It does not directly change the encoded amino acid sequence of the SBF1 protein. It affects a nucleotide within the consensus splice site. This variant is present in population databases (rs751286537, gnomAD 0.1%). This variant has not been reported in the literature in individuals affected with SBF1-related conditions. ClinVar contains an entry for this variant (Variation ID: 1381055). Variants that disrupt the consensus splice site are a relatively common cause of aberrant splicing (PMID: 17576681, 9536098). Algorithms developed to predict the effect of sequence changes on RNA splicing suggest that this variant is not likely to affect RNA splicing. In summary, the available evidence is currently insufficient to determine the role of this variant in disease. Therefore, it has been classified as a Variant of Uncertain Significance.

Literature cited by the submitters: PubMed 17576681; PubMed 9536098.